The following is an entry in ClinVar:

ClinVar aggregate classification (germline): Uncertain significance (1 of 4 stars; one submission).

Conditions:
Arrhythmogenic cardiomyopathy with wooly hair and keratoderma. Also called: Arrhythmogenic cardiomyopathy with woolly hair and keratoderma; PALMOPLANTAR KERATODERMA WITH LEFT VENTRICULAR CARDIOMYOPATHY AND WOOLLY HAIR; Dilated cardiomyopathy with woolly hair and keratoderma; Carvajal syndrome. Identifiers: Orphanet 65282, MedGen C1854063, MONDO:0011581, OMIM 605676.
Arrhythmogenic right ventricular dysplasia 8 (ARVD8). Also called: Arrhythmogenic Right Ventricular Dysplasia/Cardiomyopathy 8; ARRHYTHMOGENIC RIGHT VENTRICULAR DYSPLASIA, FAMILIAL, 8; ARRHYTHMOGENIC RIGHT VENTRICULAR CARDIOMYOPATHY 8. Identifiers: MedGen C1843896, MONDO:0011831, OMIM 607450.

Submission:

Labcorp Genetics (formerly Invitae), Labcorp
Classification: Uncertain significance for Arrhythmogenic cardiomyopathy with wooly hair and keratoderma; Arrhythmogenic right ventricular dysplasia 8. Last evaluated: 2022-08-23. Review status: criteria provided, single submitter. Criteria: Invitae Variant Classification Sherloc (09022015). Collection method: clinical testing. Allele origin: germline.
Comment: In summary, the available evidence is currently insufficient to determine the role of this variant in disease. Therefore, it has been classified as a Variant of Uncertain Significance. Algorithms developed to predict the effect of missense changes on protein structure and function are either unavailable or do not agree on the potential impact of this missense change (SIFT: "Tolerated"; PolyPhen-2: "Probably Damaging"; Align-GVGD: "Class C0"). ClinVar contains an entry for this variant (Variation ID: 1483291). This variant has not been reported in the literature in individuals affected with DSP-related conditions. This variant is not present in population databases (gnomAD no frequency). This sequence change replaces isoleucine, which is neutral and non-polar, with leucine, which is neutral and non-polar, at codon 1104 of the DSP protein (p.Ile1104Leu).

NM_004415.4(DSP):c.3310A>T (p.Ile1104Leu)

Gene: DSP (desmoplakin; plus strand). Cytogenetic location: 6p24.3.
Variant type: single nucleotide variant.
Coding change: c.3310A>T on transcript NM_004415.4 (MANE Select); coding-DNA position 3310, A replaced by T.
Protein change: p.Ile1104Leu; replaces isoleucine 1104 with leucine.
Molecular consequence: missense variant.
Genome position (GRCh38, 1-based): chr6:7,579,500, A>T. VCF-style: chr6-7579500-A-T. GRCh37 (hg19) VCF-style: chr6-7579733-A-T.
Other names: c.3310A>T, p.Ile1104Leu (NM_001008844.3, NM_001319034.2); short protein forms I1104L.
Identifiers: ClinVar variation 1483291 (VCV001483291.8), dbSNP rs2113691466, ClinGen allele CA362683631.
Genomic context (GRCh38, chr6:7,579,500, plus strand): 5'-AGACAGGCTGAGCTGGATGGGAAGTCGGCTAAGCAAAATCTAGACAAGTGCTACGGCCAA[A>T]TAAAAGAACTCAATGAGAAGATCACCCGACTGACTTATGAGATTGAAGATGAAAAGAGAA-3'
Protein context (NP_004406.2, residues 1094-1114): KQNLDKCYGQ[Ile1104Leu]KELNEKITRL